The following is an entry in ClinVar:

NM_001844.5(COL2A1):c.*136C>T

Gene: COL2A1 (collagen type II alpha 1 chain; minus strand). Cytogenetic location: 12q13.11.
Variant type: single nucleotide variant.
Coding change: c.*136C>T on transcript NM_001844.5 (MANE Select); 136 bases downstream of the stop codon, C replaced by T.
Molecular consequence: 3 prime UTR variant.
Genome position (GRCh38, 1-based): chr12:47,973,271, G>A on the plus strand (C>T on the coding strand, the complement: COL2A1 is on the minus strand). VCF-style: chr12-47973271-G-A. GRCh37 (hg19) VCF-style: chr12-48367054-G-A.
Other names: c.*136C>T (NM_033150.3).
Identifiers: ClinVar variation 308898 (VCV000308898.9), dbSNP rs41272777, ClinGen allele CA10637534.
Genomic context (GRCh38, chr12:47,973,271, plus strand): 5'-AGATTTTATTTTGCAGTCTGCCCAGTTCAGGTCTCTTAGAAAGAGAGGGGAGAAAAGTCC[G>A]AACTGTGAGAGGGTGGGATGAATGGACATCAGGTCAGGTCAGCCATTCAGTGCAGAGTCC-3'

ClinVar aggregate classification (germline): Benign. Review status: criteria provided, multiple submitters, no conflicts (2 of 4 stars). 4 submissions from 3 submitters: Benign (4). Last evaluated 2018-06-14.

Conditions:
Type 2 collagenopathy. Identifiers: Orphanet 93421, MedGen C2931073, MONDO:0022800.
Stickler syndrome type 1 (STL1). Also called: ARTHROOPHTHALMOPATHY, HEREDITARY PROGRESSIVE; STICKLER SYNDROME, MEMBRANOUS VITREOUS TYPE; STICKLER SYNDROME, VITREOUS TYPE 1; COL2A1-Related Stickler Syndrome. Identifiers: Orphanet 828, Orphanet 90653, MedGen C2020284, MONDO:0007160, OMIM 108300.

Allele frequency attached by ClinVar (database versions not stated): 1000 Genomes Project 0.02915; gnomAD 0.05705 and 0.05859; 1000 Genomes Project 30x 0.03076; TOPMed 0.05041.
gnomAD v4.1: 78,411 of 1,171,608 alleles (6.7%); highest among the groups gnomAD compares: Non-Finnish European, 8.1%; 3,078 homozygotes.

Submissions (4):

GeneDx
Classification: Benign. Last evaluated: 2018-06-14. Review status: criteria provided, single submitter. Criteria: GeneDx Variant Classification Process June 2021. Collection method: clinical testing. Allele origin: germline. Affected: yes.

Illumina Laboratory Services, Illumina
Classification: Benign for Type II Collagenopathies. Last evaluated: 2018-01-12. Review status: criteria provided, single submitter. Criteria: ICSL Variant Classification Criteria 13 December 2019. Collection method: clinical testing. Allele origin: germline.
Comment: This variant was observed in the ICSL laboratory as part of a predisposition screen in an ostensibly healthy population. It had not been previously curated by ICSL or reported in the Human Gene Mutation Database (HGMD: prior to June 1st, 2018), and was therefore a candidate for classification through an automated scoring system. Utilizing variant allele frequency, disease prevalence and penetrance estimates, and inheritance mode, an automated score was calculated to assess if this variant is too frequent to cause the disease. Based on the score and internal cut-off values, a variant classified as benign is not then subjected to further curation. The score for this variant resulted in a classification of benign for this disease.

Illumina Laboratory Services, Illumina
Classification: Benign for Stickler syndrome type 1. Last evaluated: 2018-01-12. Review status: criteria provided, single submitter. Criteria: ICSL Variant Classification Criteria 13 December 2019. Collection method: clinical testing. Allele origin: germline.
Comment: the same text as in the submission from Illumina Laboratory Services, Illumina above.

Breakthrough Genomics
Classification: Benign. Review status: criteria provided, single submitter. Criteria: ACMG Guidelines, 2015. Collection method: not provided. Allele origin: germline. Inheritance: Autosomal dominant inheritance. Affected: yes.